The following is an entry in ClinVar:

NM_000497.4(CYP11B1):c.977C>T (p.Thr326Met)

Genes: CYP11B1 (cytochrome P450 family 11 subfamily B member 1; minus strand), LOC106799833 (CYP11B1 recombination region; plus strand). Cytogenetic location: 8q24.3.
Variant type: single nucleotide variant.
Coding change: c.977C>T on transcript NM_000497.4 (MANE Select); coding-DNA position 977, C replaced by T.
Protein change: p.Thr326Met; replaces threonine 326 with methionine.
Molecular consequence: missense variant.
Genome position (GRCh38, 1-based): chr8:142,875,856, G>A on the plus strand (C>T on the coding strand, the complement: CYP11B1 is on the minus strand). VCF-style: chr8-142875856-G-A. GRCh37 (hg19) VCF-style: chr8-143957272-G-A.
Other names: c.977C>T, p.Thr326Met (NM_001026213.1); short protein forms T326M.
Identifiers: ClinVar variation 3671963 (VCV003671963.2).

ClinVar aggregate classification (germline): Uncertain significance (1 of 4 stars; one submission).

Submission:

Labcorp Genetics (formerly Invitae), Labcorp
Classification: Uncertain significance. Last evaluated: 2025-12-19. Review status: criteria provided, single submitter. Criteria: Invitae Variant Classification Sherloc (09022015). Collection method: clinical testing. Allele origin: germline.
Comment: This sequence change replaces threonine, which is neutral and polar, with methionine, which is neutral and non-polar, at codon 326 of the CYP11B1 protein (p.Thr326Met). This variant is present in population databases (rs776480651, gnomAD 0.006%). This variant has not been reported in the literature in individuals affected with CYP11B1-related conditions. ClinVar contains an entry for this variant (Variation ID: 3671963). Invitae Evidence Modeling of protein sequence and biophysical properties (such as structural, functional, and spatial information, amino acid conservation, physicochemical variation, residue mobility, and thermodynamic stability) has been performed for this missense variant. However, the output from this modeling did not meet the statistical confidence thresholds required to predict the impact of this variant on CYP11B1 protein function. In summary, the available evidence is currently insufficient to determine the role of this variant in disease. Therefore, it has been classified as a Variant of Uncertain Significance.